The following is an entry in ClinVar:

NM_004082.5(DCTN1):c.332C>T (p.Ser111Phe)

Gene: DCTN1 (dynactin subunit 1; minus strand). Cytogenetic location: 2p13.1.
Variant type: single nucleotide variant.
Coding change: c.332C>T on transcript NM_004082.5 (MANE Select); coding-DNA position 332, C replaced by T.
Protein change: p.Ser111Phe; replaces serine 111 with phenylalanine.
Molecular consequence: missense variant. On other transcripts: non-coding transcript variant (1).
Genome position (GRCh38, 1-based): chr2:74,377,674, G>A on the plus strand (C>T on the coding strand, the complement: DCTN1 is on the minus strand). VCF-style: chr2-74377674-G-A. GRCh37 (hg19) VCF-style: chr2-74604801-G-A.
Other names: c.332C>T, p.Ser111Phe (NM_001135040.3, NM_001190837.2); c.281C>T, p.Ser94Phe (NM_001190836.2, NM_001378991.1, NM_001378992.1); short protein forms S111F, S94F.
Identifiers: ClinVar variation 2947611 (VCV002947611.4), dbSNP rs374419252, ClinGen allele CA347321096.

ClinVar aggregate classification (germline): Uncertain significance. Review status: criteria provided, single submitter (1 of 4 stars). 2 submissions from 2 submitters: Uncertain significance (1). 1 of the submissions does not count toward it. Last evaluated 2024-10-29.

Conditions:
DCTN1-related disorder. Also called: DCTN1-related condition.
Amyotrophic lateral sclerosis type 1 (ALS1). Also called: AMYOTROPHIC LATERAL SCLEROSIS 1, FAMILIAL. Identifiers: Orphanet 803, MedGen C1862939, MONDO:0007103, OMIM 105400.
Neuronopathy, distal hereditary motor, type 7B. Also called: HMN VIIB; LOWER MOTOR NEURON DISEASE, DYNACTIN TYPE; NEURONOPATHY, DISTAL HEREDITARY MOTOR, AUTOSOMAL DOMINANT 14; NEURONOPATHY, DISTAL HEREDITARY MOTOR, HARDING TYPE VIIB; NEUROPATHY, DISTAL HEREDITARY MOTOR, HARDING TYPE VIIB; NEUROPATHY, DISTAL HEREDITARY MOTOR, WITH VOCAL CORD PARALYSIS, HARDING TYPE VIIB. Identifiers: Orphanet 139589, MedGen C1843315, MONDO:0011879, OMIM 607641.
Perry syndrome. Also called: PARKINSONISM WITH ALVEOLAR HYPOVENTILATION AND MENTAL DEPRESSION. Identifiers: Orphanet 178509, MedGen C1868594, MONDO:0008201, OMIM 168605.

Submissions (2):

Labcorp Genetics (formerly Invitae), Labcorp
Classification: Uncertain significance for Amyotrophic lateral sclerosis type 1; Neuronopathy, distal hereditary motor, type 7B; Perry syndrome. Last evaluated: 2024-10-29. Review status: criteria provided, single submitter. Criteria: Invitae Variant Classification Sherloc (09022015). Collection method: clinical testing. Allele origin: germline.
Comment: This sequence change replaces serine, which is neutral and polar, with phenylalanine, which is neutral and non-polar, at codon 111 of the DCTN1 protein (p.Ser111Phe). This variant is not present in population databases (gnomAD no frequency). This variant has not been reported in the literature in individuals affected with DCTN1-related conditions. ClinVar contains an entry for this variant (Variation ID: 2947611). Invitae Evidence Modeling of protein sequence and biophysical properties (such as structural, functional, and spatial information, amino acid conservation, physicochemical variation, residue mobility, and thermodynamic stability) indicates that this missense variant is not expected to disrupt DCTN1 protein function with a negative predictive value of 95%. In summary, the available evidence is currently insufficient to determine the role of this variant in disease. Therefore, it has been classified as a Variant of Uncertain Significance.

PreventionGenetics, part of Exact Sciences
Classification: Uncertain significance for DCTN1-related condition. Last evaluated: 2024-04-04. Review status: no assertion criteria provided. Collection method: clinical testing. Allele origin: germline. Not counted in ClinVar's aggregate classification.
Comment: The DCTN1 c.332C>T variant is predicted to result in the amino acid substitution p.Ser111Phe. To our knowledge, this variant has not been reported in the literature or in gnomAD, indicating this variant is rare. At this time, the clinical significance of this variant is uncertain due to the absence of conclusive functional and genetic evidence.